The following is an entry in ClinVar:

ClinVar aggregate classification (germline): Uncertain significance. Review status: criteria provided, multiple submitters, no conflicts (2 of 4 stars). 2 submissions from 2 submitters: Uncertain significance (2). Last evaluated 2026-07-14.

Conditions:
Inborn genetic diseases. Identifiers: MedGen C0950123, MeSH D030342.
RP1-related disorder. Also called: RP1-related condition.

Allele frequency attached by ClinVar (database versions not stated): gnomAD 0.00002; TOPMed 0.00002; ExAC 0.00003.
gnomAD v4.1: 7 of 1,613,594 alleles (0.00043%); highest among the groups gnomAD compares: African/African-American, 0.0053%; no homozygotes.

Submissions (2):

PreventionGenetics, part of Exact Sciences
Classification: Uncertain significance for RP1-related condition. Last evaluated: 2026-07-14. Review status: criteria provided, single submitter. Criteria: ACMG Guidelines, 2015. Collection method: clinical testing. Allele origin: germline.
Comment: The RP1 c.470T>C variant is predicted to result in the amino acid substitution p.Val157Ala. To our knowledge, this variant has not been reported in the literature. This variant is present in 0.012% of alleles in individuals of African descent in gnomAD. At this time, the clinical significance of this variant is uncertain due to the absence of conclusive functional and genetic evidence.

Ambry Genetics
Classification: Uncertain significance for Inborn genetic diseases. Last evaluated: 2022-11-30. Review status: criteria provided, single submitter. Criteria: Ambry Variant Classification Scheme 2023. Collection method: clinical testing. Allele origin: germline.

NM_006269.2(RP1):c.470T>C (p.Val157Ala)

Gene: RP1 (RP1 axonemal microtubule associated; plus strand). Cytogenetic location: 8q12.1.
Variant type: single nucleotide variant.
Coding change: c.470T>C on transcript NM_006269.2 (MANE Select); coding-DNA position 470, T replaced by C.
Protein change: p.Val157Ala; replaces valine 157 with alanine.
Molecular consequence: missense variant.
Genome position (GRCh38, 1-based): chr8:54,621,436, T>C. VCF-style: chr8-54621436-T-C. GRCh37 (hg19) VCF-style: chr8-55533996-T-C.
Other names: c.470T>C, p.Val157Ala (NM_001375654.1); short protein forms V157A.
Identifiers: ClinVar variation 2330064 (VCV002330064.3), dbSNP rs771020312, ClinGen allele CA4751174.